The following is an entry in ClinVar:

NM_004104.5(FASN):c.1469G>C (p.Arg490Pro)

Gene: FASN (fatty acid synthase; minus strand). Cytogenetic location: 17q25.3.
Variant type: single nucleotide variant.
Coding change: c.1469G>C on transcript NM_004104.5 (MANE Select); coding-DNA position 1469, G replaced by C.
Protein change: p.Arg490Pro; replaces arginine 490 with proline.
Molecular consequence: missense variant.
Genome position (GRCh38, 1-based): chr17:82,091,245, C>G on the plus strand (G>C on the coding strand, the complement: FASN is on the minus strand). VCF-style: chr17-82091245-C-G. GRCh37 (hg19) VCF-style: chr17-80049121-C-G.
Other names: short protein forms R490P.
Identifiers: ClinVar variation 2731884 (VCV002731884.3), dbSNP rs368171697, ClinGen allele CA401560393.

ClinVar aggregate classification (germline): Uncertain significance (1 of 4 stars; one submission).

Conditions:
Epileptic encephalopathy. Identifiers: MedGen C0543888, HP:0200134.

Submission:

Labcorp Genetics (formerly Invitae), Labcorp
Classification: Uncertain significance for Epileptic encephalopathy. Last evaluated: 2024-11-18. Review status: criteria provided, single submitter. Criteria: Invitae Variant Classification Sherloc (09022015). Collection method: clinical testing. Allele origin: germline.
Comment: This sequence change replaces arginine, which is basic and polar, with proline, which is neutral and non-polar, at codon 490 of the FASN protein (p.Arg490Pro). This variant is not present in population databases (gnomAD no frequency). This variant has not been reported in the literature in individuals affected with FASN-related conditions. ClinVar contains an entry for this variant (Variation ID: 2731884). An algorithm developed to predict the effect of missense changes on protein structure and function (PolyPhen-2) suggests that this variant is likely to be disruptive. In summary, the available evidence is currently insufficient to determine the role of this variant in disease. Therefore, it has been classified as a Variant of Uncertain Significance.